The following is an entry in ClinVar:

NM_182914.3(SYNE2):c.11164-4C>T

Gene: SYNE2 (spectrin repeat containing nuclear envelope protein 2; plus strand). Cytogenetic location: 14q23.2.
Variant type: single nucleotide variant.
Coding change: c.11164-4C>T on transcript NM_182914.3 (MANE Select); 4 bases into the intron before coding-DNA position 11164, C replaced by T.
Molecular consequence: intron variant.
Genome position (GRCh38, 1-based): chr14:64,080,452, C>T. VCF-style: chr14-64080452-C-T. GRCh37 (hg19) VCF-style: chr14-64547170-C-T.
Other names: c.11164-4C>T (NM_015180.6).
Identifiers: ClinVar variation 448623 (VCV000448623.20), dbSNP rs370961691, ClinGen allele CA7221724.

ClinVar aggregate classification (germline): Conflicting classifications of pathogenicity. Review status: criteria provided, conflicting classifications (1 of 4 stars). 4 submissions from 4 submitters: Uncertain significance (1); Likely benign (3). Last evaluated 2025-10-03.

Conditions:
Emery-Dreifuss muscular dystrophy 5, autosomal dominant (EDMD5). Also called: EMERY-DREIFUSS MUSCULAR DYSTROPHY 5. Identifiers: Orphanet 261, MedGen C2751805, MONDO:0013072, OMIM 612999.

Allele frequency attached by ClinVar (database versions not stated): gnomAD 0.00027 and 0.00029; gnomAD exomes 0.00029 and 0.00037; ExAC 0.00036; TOPMed 0.00037; ESP Exome Variant Server 0.00046.
gnomAD v4.1: 471 of 1,613,940 alleles (0.029%); highest among the groups gnomAD compares: Middle Eastern, 0.28%; 1 homozygote.

Submissions (4):

Labcorp Genetics (formerly Invitae), Labcorp
Classification: Likely benign for Emery-Dreifuss muscular dystrophy 5, autosomal dominant. Last evaluated: 2025-10-03. Review status: criteria provided, single submitter. Criteria: Invitae Variant Classification Sherloc (09022015). Collection method: clinical testing. Allele origin: germline.

CeGaT Center for Human Genetics Tuebingen
Classification: Likely benign. Last evaluated: 2025-06-01. Review status: criteria provided, single submitter. Criteria: CeGaT Center For Human Genetics Tuebingen Variant Classification Criteria Version 2. Collection method: clinical testing. Allele origin: germline. Affected: yes. Observed: 1 variant allele.
Comment: SYNE2: BP4, BS2

Blueprint Genetics
Classification: Likely benign. Last evaluated: 2024-11-11. Review status: criteria provided, single submitter. Criteria: ACMG Guidelines, 2015. Collection method: clinical testing. Allele origin: germline.

Athena Diagnostics
Classification: Uncertain significance. Last evaluated: 2017-02-15. Review status: criteria provided, single submitter. Criteria: Athena Diagnostics Criteria. Collection method: clinical testing. Allele origin: germline.